The following is an entry in ClinVar:

ClinVar aggregate classification (germline): Uncertain significance (1 of 4 stars; one submission).

gnomAD v4.1: 1 of 1,614,198 alleles (0.000062%); highest among the groups gnomAD compares: East Asian, 0.0022%; no homozygotes.

Submission:

Labcorp Genetics (formerly Invitae), Labcorp
Classification: Uncertain significance. Last evaluated: 2024-02-20. Review status: criteria provided, single submitter. Criteria: Invitae Variant Classification Sherloc (09022015). Collection method: clinical testing. Allele origin: germline.
Comment: This sequence change replaces asparagine, which is neutral and polar, with isoleucine, which is neutral and non-polar, at codon 479 of the NUP62 protein (p.Asn479Ile). This variant is not present in population databases (gnomAD no frequency). This variant has not been reported in the literature in individuals affected with NUP62-related conditions. An algorithm developed to predict the effect of missense changes on protein structure and function (PolyPhen-2) suggests that this variant is likely to be disruptive. In summary, the available evidence is currently insufficient to determine the role of this variant in disease. Therefore, it has been classified as a Variant of Uncertain Significance.

NM_016553.5(NUP62):c.1436A>T (p.Asn479Ile)

Genes: IL4I1 (interleukin 4 induced 1; minus strand), NUP62 (nucleoporin 62; minus strand). Cytogenetic location: 19q13.33.
Variant type: single nucleotide variant.
Coding change: c.1436A>T on transcript NM_016553.5 (MANE Select); coding-DNA position 1436, A replaced by T.
Protein change: p.Asn479Ile; replaces asparagine 479 with isoleucine.
Molecular consequence: missense variant. On other transcripts: intron variant (3).
Genome position (GRCh38, 1-based): chr19:49,908,372, T>A on the plus strand (A>T on the coding strand, the complement: NUP62 is on the minus strand). VCF-style: chr19-49908372-T-A. GRCh37 (hg19) VCF-style: chr19-50411629-T-A.
Other names: c.-227-4051A>T (NM_172374.3, NM_001258017.2); c.-285-4051A>T (NM_001258018.2); c.1436A>T, p.Asn479Ile (NM_001193357.2, NM_012346.5, NM_153718.4 and 1 more transcripts); short protein forms N479I.
Identifiers: ClinVar variation 3640642 (VCV003640642.2).